The following is an entry in ClinVar:

NM_002113.3(CFHR1):c.614C>T (p.Thr205Met)

Gene: CFHR1 (complement factor H related 1; plus strand). Cytogenetic location: 1q31.3.
Variant type: single nucleotide variant.
Coding change: c.614C>T on transcript NM_002113.3 (MANE Select); coding-DNA position 614, C replaced by T.
Protein change: p.Thr205Met; replaces threonine 205 with methionine.
Molecular consequence: missense variant.
Genome position (GRCh38, 1-based): chr1:196,830,506, C>T. VCF-style: chr1-196830506-C-T. GRCh37 (hg19) VCF-style: chr1-196799636-C-T.
Other names: p.Thr205Met; c.563C>T, p.Thr188Met (NM_001379306.1); c.452C>T, p.Thr151Met (NM_001379307.1); c.449C>T, p.Thr150Met (NM_001379308.1); c.446C>T, p.Thr149Met (NM_001379309.1); c.419C>T, p.Thr140Met (NM_001379310.1); c.410C>T, p.Thr137Met (NM_001379311.1); c.371C>T, p.Thr124Met (NM_001379312.1); short protein forms T150M, T151M, T188M, T205M, T124M, T137M, T140M, T149M.
Identifiers: ClinVar variation 3380347 (VCV003380347.2).

ClinVar aggregate classification (germline): Likely benign (1 of 4 stars; one submission).

gnomAD v4.1: 579 of 1,524,990 alleles (0.038%); highest among the groups gnomAD compares: African/African-American, 0.78%; 159 homozygotes.

Submission:

Mayo Clinic Laboratories, Mayo Clinic
Classification: Likely benign. Last evaluated: 2025-06-17. Review status: criteria provided, single submitter. Criteria: ACMG Guidelines, 2015. Collection method: clinical testing. Allele origin: germline. Observed: 9 variant alleles.
Comment: BP1, BP4_moderate

Literature cited by the submitters: PubMed 33841858.